The following is an entry in ClinVar:

NM_001378030.1(CCDC78):c.1277A>C (p.Glu426Ala)

Gene: CCDC78 (coiled-coil domain containing 78; minus strand). Cytogenetic location: 16p13.3.
Variant type: single nucleotide variant.
Coding change: c.1277A>C on transcript NM_001378030.1 (MANE Select); coding-DNA position 1277, A replaced by C.
Protein change: p.Glu426Ala; replaces glutamic acid 426 with alanine.
Molecular consequence: missense variant. On other transcripts: non-coding transcript variant (5).
Genome position (GRCh38, 1-based): chr16:722,946, T>G on the plus strand (A>C on the coding strand, the complement: CCDC78 is on the minus strand). VCF-style: chr16-722946-T-G. GRCh37 (hg19) VCF-style: chr16-772946-T-G.
Other names: c.1273A>C, p.Ser425Arg (NM_001031737.3); c.1097A>C, p.Glu366Ala (NM_001378031.1); c.710A>C, p.Glu237Ala (NM_001378033.1); short protein forms E237A, E366A, E426A, S425R.
Identifiers: ClinVar variation 1472475 (VCV001472475.8), dbSNP rs761180576, ClinGen allele CA7789098.

ClinVar aggregate classification (germline): Uncertain significance (1 of 4 stars; one submission).

Conditions:
Congenital myopathy with internal nuclei and atypical cores. Also called: Myopathy, centronuclear, 4. Identifiers: Orphanet 319160, MedGen C4707232, MONDO:0013890, OMIM 614807.

Allele frequency attached by ClinVar (database versions not stated): gnomAD exomes below 0.00001; ExAC 0.00001.

Submission:

Labcorp Genetics (formerly Invitae), Labcorp
Classification: Uncertain significance for Congenital myopathy with internal nuclei and atypical cores. Last evaluated: 2022-12-06. Review status: criteria provided, single submitter. Criteria: Invitae Variant Classification Sherloc (09022015). Collection method: clinical testing. Allele origin: germline.
Comment: In summary, the available evidence is currently insufficient to determine the role of this variant in disease. Therefore, it has been classified as a Variant of Uncertain Significance. Advanced modeling of protein sequence and biophysical properties (such as structural, functional, and spatial information, amino acid conservation, physicochemical variation, residue mobility, and thermodynamic stability) performed at Invitae indicates that this missense variant is not expected to disrupt CCDC78 protein function. ClinVar contains an entry for this variant (Variation ID: 1472475). This variant has not been reported in the literature in individuals affected with CCDC78-related conditions. This variant is not present in population databases (gnomAD no frequency). This sequence change replaces serine, which is neutral and polar, with arginine, which is basic and polar, at codon 425 of the CCDC78 protein (p.Ser425Arg).